The following is an entry in ClinVar:

NM_022489.4(INF2):c.202T>A (p.Phe68Ile)

Gene: INF2 (inverted formin 2; plus strand). Cytogenetic location: 14q32.33.
Variant type: single nucleotide variant.
Coding change: c.202T>A on transcript NM_022489.4 (MANE Select); coding-DNA position 202, T replaced by A.
Protein change: p.Phe68Ile; replaces phenylalanine 68 with isoleucine.
Molecular consequence: missense variant. On other transcripts: non-coding transcript variant (1).
Genome position (GRCh38, 1-based): chr14:104,701,567, T>A. VCF-style: chr14-104701567-T-A. GRCh37 (hg19) VCF-style: chr14-105167904-T-A.
Other names: c.202T>A, p.Phe68Ile (NM_001031714.4, NM_001426862.1, NM_001426863.1 and 6 more transcripts); short protein forms F68I.
Identifiers: ClinVar variation 3776177 (VCV003776177.1).

ClinVar aggregate classification (germline): Uncertain significance (1 of 4 stars; one submission).

Conditions:
Focal segmental glomerulosclerosis 5 (FSGS5). Identifiers: Orphanet 656, MedGen C2750475, MONDO:0013191, OMIM 613237.

Submission:

3billion
Classification: Uncertain significance for Focal segmental glomerulosclerosis 5. Last evaluated: 2024-02-07. Review status: criteria provided, single submitter. Criteria: ACMG Guidelines, 2015. Collection method: clinical testing. Allele origin: germline. Affected: yes.
Comment: The variant is not observed in the gnomAD v2.1.1 dataset. Predicted Consequence/Location: Missense changes are a common disease-causing mechanism. In silico tool predictions suggest damaging effect of the variant on gene or gene product [REVEL: 0.93 (>=0.6, sensitivity 0.68 and specificity 0.92); 3Cnet: 0.77 (>=0.6, sensitivity 0.72 and precision 0.9)]. Different missense changes at the same codon (p.Phe68Ser, p.Phe68Val) have been reported to be associated with INF2-related disorder (PMID: 25676889, 31328266). However the evidence of pathogenicity is insufficient at this time. Therefore, this variant is classified as VUS according to the recommendation of ACMG/AMP guideline.

Literature cited by the submitters: PubMed 25676889.